The following is an entry in ClinVar:

ClinVar aggregate classification (germline): Likely pathogenic (1 of 4 stars; one submission).

Conditions:
Arthrogryposis, distal, with impaired proprioception and touch (DAIPT). Identifiers: MedGen C4310692, MONDO:0014941, OMIM 617146.

Submission:

Neuberg Centre For Genomic Medicine, NCGM
Classification: Likely pathogenic for Arthrogryposis, distal, with impaired proprioception and touch. Review status: criteria provided, single submitter. Criteria: ACMG Guidelines, 2015. Collection method: clinical testing. Allele origin: germline. Inheritance: Autosomal recessive inheritance. Affected: yes.
Comment: The splice donor variant c.1527+2T>C in PIEZO2 (NM_022068.4) has not been reported previously as a pathogenic variant nor as a benign variant, to our knowledge. The c.1527+2T>C variant is novel (not in any individuals) in gnomAD Exomes and is novel (not in any individuals) in 1000 Genomes. This variant mutates a splice-donor sequence, potentially resulting in the retention of large segments of intronic DNA by the mRNA and nonfunctional proteins. The c.1527+2T>C variant is a loss of function variant in the gene PIEZO2, which is intolerant of Loss of Function variants, as indicated by the presence of existing pathogenic loss of function variant. For these reasons, this variant has been classified as Likely Pathogenic.

NM_001378183.1(PIEZO2):c.1527+2T>C

Gene: PIEZO2 (piezo type mechanosensitive ion channel component 2; minus strand). Cytogenetic location: 18p11.22.
Variant type: single nucleotide variant.
Coding change: c.1527+2T>C on transcript NM_001378183.1 (MANE Select); the canonical splice donor site of the intron after coding-DNA position 1527, T replaced by C.
Molecular consequence: splice donor variant.
Genome position (GRCh38, 1-based): chr18:10,797,372, A>G on the plus strand (T>C on the coding strand, the complement: PIEZO2 is on the minus strand). VCF-style: chr18-10797372-A-G. GRCh37 (hg19) VCF-style: chr18-10797370-A-G.
Other names: c.1527+2T>C (NM_022068.4, NM_001410871.1).
Identifiers: ClinVar variation 2585335 (VCV002585335.1), dbSNP rs2510766564, ClinGen allele CA401924708.
Genomic context (GRCh38, chr18:10,797,372, plus strand): 5'-CACACATACCATCATATCATATTATACATATCATATTATACCTATCATCATATCATACAT[A>G]CCATCATAGCTATGAGGGCACAGATGTAACTTTGTTTCATAATAAATTGGAATACGGAGA-3'